The following is an entry in ClinVar:

ClinVar aggregate classification (germline): Uncertain significance. Review status: criteria provided, multiple submitters, no conflicts (2 of 4 stars). 2 submissions from 2 submitters: Uncertain significance (2). Last evaluated 2023-02-13.

gnomAD v4.1: 1 of 1,590,764 alleles (0.000063%); highest among the groups gnomAD compares: Middle Eastern, 0.017%; no homozygotes.

Submissions (2):

Labcorp Genetics (formerly Invitae), Labcorp
Classification: Uncertain significance. Last evaluated: 2023-02-13. Review status: criteria provided, single submitter. Criteria: Invitae Variant Classification Sherloc (09022015). Collection method: clinical testing. Allele origin: germline.
Comment: Algorithms developed to predict the effect of missense changes on protein structure and function output the following: SIFT: "Tolerated"; PolyPhen-2: "Not Available"; Align-GVGD: "Class C0". The leucine amino acid residue is found in multiple mammalian species, which suggests that this missense change does not adversely affect protein function. This variant has not been reported in the literature in individuals affected with ZCCHC8-related conditions. The frequency data for this variant in the population databases is considered unreliable, as metrics indicate poor data quality at this position in the gnomAD database. This sequence change replaces proline, which is neutral and non-polar, with leucine, which is neutral and non-polar, at codon 24 of the ZCCHC8 protein (p.Pro24Leu). In summary, the available evidence is currently insufficient to determine the role of this variant in disease. Therefore, it has been classified as a Variant of Uncertain Significance.

Breakthrough Genomics
Classification: Uncertain significance. Review status: criteria provided, single submitter. Criteria: ACMG Guidelines, 2015. Collection method: not provided. Allele origin: germline. Inheritance: Autosomal dominant inheritance. Affected: yes.

NM_017612.5(ZCCHC8):c.71C>T (p.Pro24Leu)

Gene: ZCCHC8 (zinc finger CCHC-type containing 8; minus strand). Cytogenetic location: 12q24.31.
Variant type: single nucleotide variant.
Coding change: c.71C>T on transcript NM_017612.5 (MANE Select); coding-DNA position 71, C replaced by T.
Protein change: p.Pro24Leu; replaces proline 24 with leucine.
Molecular consequence: missense variant. On other transcripts: 5 prime UTR variant (3).
Genome position (GRCh38, 1-based): chr12:122,500,770, G>A on the plus strand (C>T on the coding strand, the complement: ZCCHC8 is on the minus strand). VCF-style: chr12-122500770-G-A. GRCh37 (hg19) VCF-style: chr12-122985317-G-A.
Other names: c.71C>T, p.Pro24Leu (NM_001350935.2); c.-853C>T (NM_001350936.2); c.-474C>T (NM_001350937.2); c.-368C>T (NM_001350938.2); short protein forms P24L.
Identifiers: ClinVar variation 2851280 (VCV002851280.4), dbSNP rs1419238938, ClinGen allele CA482210863.